The following is an entry in ClinVar:

ClinVar aggregate classification (germline): Benign (1 of 4 stars; one submission).

Conditions:
Sjögren-Larsson syndrome (SLS). Also called: FALDH DEFICIENCY; FATTY ALCOHOL:NAD+ OXIDOREDUCTASE DEFICIENCY; FATTY ALDEHYDE DEHYDROGENASE DEFICIENCY; ICHTHYOSIS, SPASTIC NEUROLOGIC DISORDER, AND OLIGOPHRENIA. Identifiers: Orphanet 816, MedGen C0037231, MONDO:0010031, OMIM 270200.

Allele frequency attached by ClinVar (database versions not stated): TOPMed 0.00052; gnomAD 0.00060; 1000 Genomes Project 0.00359; 1000 Genomes Project 30x 0.00390.

Submission:

Illumina Laboratory Services, Illumina
Classification: Benign for Sjögren-Larsson syndrome. Last evaluated: 2018-01-12. Review status: criteria provided, single submitter. Criteria: ICSL Variant Classification Criteria 13 December 2019. Collection method: clinical testing. Allele origin: germline.
Comment: This variant was observed in the ICSL laboratory as part of a predisposition screen in an ostensibly healthy population. It had not been previously curated by ICSL or reported in the Human Gene Mutation Database (HGMD: prior to June 1st, 2018), and was therefore a candidate for classification through an automated scoring system. Utilizing variant allele frequency, disease prevalence and penetrance estimates, and inheritance mode, an automated score was calculated to assess if this variant is too frequent to cause the disease. Based on the score and internal cut-off values, a variant classified as benign is not then subjected to further curation. The score for this variant resulted in a classification of benign for this disease.

NM_000382.3(ALDH3A2):c.*1802A>G

Gene: ALDH3A2 (aldehyde dehydrogenase 3 family member A2; plus strand). Cytogenetic location: 17p11.2.
Variant type: single nucleotide variant.
Coding change: c.*1802A>G on transcript NM_000382.3 (MANE Select); 1802 bases downstream of the stop codon, A replaced by G.
Molecular consequence: 3 prime UTR variant.
Genome position (GRCh38, 1-based): chr17:19,677,374, A>G. VCF-style: chr17-19677374-A-G. GRCh37 (hg19) VCF-style: chr17-19580687-A-G.
Other names: c.*1858A>G (NM_001369136.1, NM_001369137.2, NM_001031806.2); c.*1802A>G (NM_001369138.2, NM_001369139.1, NM_001369148.2); c.*1749A>G (NM_001369146.2).
Identifiers: ClinVar variation 322239 (VCV000322239.5), dbSNP rs145033543, ClinGen allele CA10648781.